The following is an entry in ClinVar:

NM_001376.5(DYNC1H1):c.10277A>C (p.Asn3426Thr)

Gene: DYNC1H1 (dynein cytoplasmic 1 heavy chain 1; plus strand). Cytogenetic location: 14q32.31.
Variant type: single nucleotide variant.
Coding change: c.10277A>C on transcript NM_001376.5 (MANE Select); coding-DNA position 10277, A replaced by C.
Protein change: p.Asn3426Thr; replaces asparagine 3426 with threonine.
Molecular consequence: missense variant.
Genome position (GRCh38, 1-based): chr14:102,033,348, A>C. VCF-style: chr14-102033348-A-C. GRCh37 (hg19) VCF-style: chr14-102499685-A-C.
Other names: short protein forms N3426T.
Identifiers: ClinVar variation 3636171 (VCV003636171.2).

ClinVar aggregate classification (germline): Uncertain significance (1 of 4 stars; one submission).

Conditions:
Charcot-Marie-Tooth disease axonal type 2O. Also called: Charcot-Marie-Tooth disease, axonal, type 20; CHARCOT-MARIE-TOOTH NEUROPATHY, AXONAL, TYPE 2O; CHARCOT-MARIE-TOOTH DISEASE, AXONAL, AUTOSOMAL DOMINANT, TYPE 2O; Charcot-Marie-Tooth Neuropathy Type 2O. Identifiers: Orphanet 284232, MedGen C3280220, MONDO:0013644, OMIM 614228.

Submission:

Labcorp Genetics (formerly Invitae), Labcorp
Classification: Uncertain significance for Charcot-Marie-Tooth disease axonal type 2O. Last evaluated: 2024-10-27. Review status: criteria provided, single submitter. Criteria: Invitae Variant Classification Sherloc (09022015). Collection method: clinical testing. Allele origin: germline.
Comment: This sequence change replaces asparagine, which is neutral and polar, with threonine, which is neutral and polar, at codon 3426 of the DYNC1H1 protein (p.Asn3426Thr). This variant is not present in population databases (gnomAD no frequency). This variant has not been reported in the literature in individuals affected with DYNC1H1-related conditions. Invitae Evidence Modeling of protein sequence and biophysical properties (such as structural, functional, and spatial information, amino acid conservation, physicochemical variation, residue mobility, and thermodynamic stability) indicates that this missense variant is not expected to disrupt DYNC1H1 protein function with a negative predictive value of 95%. In summary, the available evidence is currently insufficient to determine the role of this variant in disease. Therefore, it has been classified as a Variant of Uncertain Significance.